The following is an entry in ClinVar:

NM_203446.3(SYNJ1):c.1625T>G (p.Val542Gly)

Gene: SYNJ1 (synaptojanin 1; minus strand). Cytogenetic location: 21q22.11.
Variant type: single nucleotide variant.
Coding change: c.1625T>G on transcript NM_203446.3 (MANE Select); coding-DNA position 1625, T replaced by G.
Protein change: p.Val542Gly; replaces valine 542 with glycine.
Molecular consequence: missense variant.
Genome position (GRCh38, 1-based): chr21:32,673,441, A>C on the plus strand (T>G on the coding strand, the complement: SYNJ1 is on the minus strand). VCF-style: chr21-32673441-A-C. GRCh37 (hg19) VCF-style: chr21-34045751-A-C.
Other names: c.1625T>G, p.Val542Gly (NM_001160302.2); c.1610T>G, p.Val537Gly (NM_001160306.2); c.1742T>G, p.Val581Gly (NM_003895.4); short protein forms V542G, V537G, V581G.
Identifiers: ClinVar variation 931439 (VCV000931439.3), dbSNP rs2041281036, ClinGen allele CA410085185.

ClinVar aggregate classification (germline): Uncertain significance (1 of 4 stars; one submission).

Conditions:
Developmental and epileptic encephalopathy, 53. Also called: Epileptic encephalopathy, early infantile, 53. Identifiers: MedGen C4479313, MONDO:0033362, OMIM 617389.

Submission:

Centre for Mendelian Genomics, University Medical Centre Ljubljana
Classification: Uncertain significance for Developmental and epileptic encephalopathy, 53. Last evaluated: 2019-04-01. Review status: criteria provided, single submitter. Criteria: ACMG Guidelines, 2015. Collection method: clinical testing. Allele origin: unknown. Affected: yes.
Comment: This variant was classified as: Uncertain significance. The available evidence favors the pathogenic nature of this variant, however the currently available data is insufficient to conclusively support its pathogenic nature. Thus this variant is classified as Uncertain significance - favor pathogenic. The following ACMG criteria were applied in classifying this variant: PM2,PP3.